The following is an entry in ClinVar:

NM_000051.4(ATM):c.7076_7079del (p.Thr2359fs)

Genes: ATM (ATM serine/threonine kinase; plus strand), C11orf65 (chromosome 11 open reading frame 65; minus strand). Cytogenetic location: 11q22.3.
Variant type: Deletion.
Coding change: c.7076_7079del on transcript NM_000051.4 (MANE Select); coding-DNA positions 7076 to 7079, 4 bases deleted (CCTA; older notation c.7076_7079delCCTA).
Protein change: p.Thr2359fs; shifts the reading frame from threonine 2359.
Molecular consequence: frameshift variant. On other transcripts: intron variant (2).
Genome position (GRCh38, 1-based): chr11:108,327,745-108,327,748, CCTA deleted; deleting any 4 consecutive bases within chr11:108,327,744-108,327,748 gives the same sequence; the c. name uses the placement nearest the transcript's 3' end. VCF-style (leftmost placement, unchanged base first): chr11-108327743-GACCT-G. GRCh37 (hg19) VCF-style: chr11-108198470-GACCT-G.
Other names: c.7076_7079del, p.Thr2359fs (NM_001351834.2); c.641-18676_641-18673del (NM_001330368.2); c.*38+7473_*38+7476del (NM_001351110.2); short protein forms T2359fs.
Identifiers: ClinVar variation 3967635 (VCV003967635.1).
Genomic context (GRCh38, chr11:108,327,743, plus strand): 5'-GAGGGTTTGTGGCAACTGGTTAGCAGAAACGTGCTTAGAAAATCCTGCGGTCATCATGCA[GACCT>G]ATCTAGAAAAGGTAAGATTTTTGGAGCAACCCTTAAGATAGTTACTTAGCATGAATATGC-3'

ClinVar aggregate classification (germline): Pathogenic (1 of 4 stars; one submission).

Conditions:
Hereditary cancer-predisposing syndrome. Also called: Neoplastic Syndromes, Hereditary; Tumor predisposition; Hereditary Cancer Syndrome; Hereditary neoplastic syndrome. Identifiers: Orphanet 140162, MedGen C0027672, MeSH D009386, MONDO:0015356.

Submission:

Ambry Genetics
Classification: Pathogenic for Hereditary cancer-predisposing syndrome. Last evaluated: 2025-06-11. Review status: criteria provided, single submitter. Criteria: Ambry Variant Classification Scheme 2023. Collection method: clinical testing. Allele origin: germline.
Comment: The c.7076_7079delCCTA pathogenic mutation, located in coding exon 47 of the ATM gene, results from a deletion of 4 nucleotides at nucleotide positions 7076 to 7079, causing a translational frameshift with a predicted alternate stop codon (p.T2359Ifs*2). This variant is considered to be rare based on population cohorts in the Genome Aggregation Database (gnomAD). This alteration is expected to result in loss of function by premature protein truncation or nonsense-mediated mRNA decay. As such, this alteration is interpreted as a disease-causing mutation.